The following is an entry in ClinVar:

NM_015267.4(CUX2):c.2927-1G>A

Gene: CUX2 (cut like homeobox 2; plus strand). Cytogenetic location: 12q24.12.
Variant type: single nucleotide variant.
Coding change: c.2927-1G>A on transcript NM_015267.4 (MANE Select); the canonical splice acceptor site of the intron before coding-DNA position 2927, G replaced by A.
Molecular consequence: splice acceptor variant.
Genome position (GRCh38, 1-based): chr12:111,334,440, G>A. VCF-style: chr12-111334440-G-A. GRCh37 (hg19) VCF-style: chr12-111772244-G-A.
Other names: c.2741-1G>A (NM_001370598.1).
Identifiers: ClinVar variation 4885719 (VCV004885719.2).

ClinVar aggregate classification (germline): Uncertain significance (1 of 4 stars; one submission).

Submission:

Dasa
Classification: Uncertain significance. Last evaluated: 2025-08-07. Review status: criteria provided, single submitter. Criteria: DASA Assertion Criteria. Collection method: clinical testing. Allele origin: germline.
Comment: NM_015267.4(CUX2):c.2927-1G>A affects a canonical splice site and is predicted to disrupt normal RNA splicing. This variant is absent from population databases. The currently available literature and clinical evidence are not sufficient to establish a definitive association between this variant and the reported condition. Therefore, this variant is classified as a variant of uncertain significance.